The following is an entry in ClinVar:

ClinVar aggregate classification (germline): Uncertain significance (1 of 4 stars; one submission).

Conditions:
Hereditary cancer-predisposing syndrome. Also called: Hereditary Cancer Syndrome; Hereditary neoplastic syndrome; Neoplastic Syndromes, Hereditary; Tumor predisposition. Identifiers: Orphanet 140162, MedGen C0027672, MeSH D009386, MONDO:0015356.

Submission:

Ambry Genetics
Classification: Uncertain significance for Hereditary cancer-predisposing syndrome. Last evaluated: 2020-09-17. Review status: criteria provided, single submitter. Criteria: Ambry Variant Classification Scheme 2023. Collection method: clinical testing. Allele origin: germline.
Comment: The p.Q208K variant (also known as c.622C>A), located in coding exon 6 of the PMS2 gene, results from a C to A substitution at nucleotide position 622. The glutamine at codon 208 is replaced by lysine, an amino acid with similar properties. This amino acid position is highly conserved in available vertebrate species. In addition, the in silico prediction for this alteration is inconclusive. Since supporting evidence is limited at this time, the clinical significance of this alteration remains unclear.

NM_000535.7(PMS2):c.622C>A (p.Gln208Lys)

Gene: PMS2 (PMS1 homolog 2, mismatch repair system component; minus strand). Cytogenetic location: 7p22.1.
Variant type: single nucleotide variant.
Coding change: c.622C>A on transcript NM_000535.7 (MANE Select); coding-DNA position 622, C replaced by A.
Protein change: p.Gln208Lys; replaces glutamine 208 with lysine.
Molecular consequence: missense variant. On other transcripts: non-coding transcript variant (1), intron variant (1), 5 prime UTR variant (2).
Genome position (GRCh38, 1-based): chr7:5,999,191, G>T on the plus strand (C>A on the coding strand, the complement: PMS2 is on the minus strand). VCF-style: chr7-5999191-G-T. GRCh37 (hg19) VCF-style: chr7-6038822-G-T.
Other names: c.217C>A, p.Gln73Lys (NM_001406889.1, NM_001406890.1, NM_001406891.1 and 20 more transcripts); c.313C>A, p.Gln105Lys (NM_001406900.1, NM_001322015.2, NM_001406875.1 and 6 more transcripts); c.304C>A, p.Gln102Lys (NM_001406901.1, NM_001406902.1, NM_001406903.1 and 4 more transcripts); c.622C>A, p.Gln208Lys (NM_001406912.1, NM_001322006.2, NM_001322014.2 and 4 more transcripts); c.133-1768C>A (NM_001322013.2); c.-312C>A (NM_001322011.2, NM_001322012.2); c.808C>A, p.Gln270Lys (NM_001406866.1); c.646C>A, p.Gln216Lys (NM_001406868.1); and 1 more; short protein forms Q102K, Q105K, Q208K, Q73K, Q96K, Q270K, Q216K.
Identifiers: ClinVar variation 1752322 (VCV001752322.2), dbSNP rs1784808623, ClinGen allele CA366743969.
Genomic context (GRCh38, chr7:5,999,191, plus strand): 5'-CGATATTTTCCTTTATGCTGGGGCTTCCACCTGTGCATACCACAGGCTGTCGTTTTCCTT[G>T]TCCAAGCTGATTGGTGCAACTTACACGGATGCCTGCTGAAATGATACAGTATGCATGTAA-3'
Protein context (NP_000526.2, residues 198-218): IRVSCTNQLG[Gln208Lys]GKRQPVVCTG